The following is an entry in ClinVar:

NC_000019.10:g.(?_10819970)_(10831057_?)dup

Gene: DNM2 (dynamin 2; plus strand). Cytogenetic location: 19p13.2.
Variant type: Duplication.
Identifiers: ClinVar variation 832639 (VCV000832639.5).

ClinVar aggregate classification (germline): Uncertain significance (1 of 4 stars; one submission).

Conditions:
Charcot-Marie-Tooth disease dominant intermediate B (CMTDIB). Also called: CHARCOT-MARIE-TOOTH NEUROPATHY, DOMINANT INTERMEDIATE B; Charcot-Marie-Tooth disease dominant intermediate 1; CMT DI1; Charcot-Marie-Tooth disease dominant intermediate I. Identifiers: Orphanet 100044, Orphanet 228179, MedGen C1847902, MONDO:0011674, OMIM 606482.

Submission:

Labcorp Genetics (formerly Invitae), Labcorp
Classification: Uncertain significance for Charcot-Marie-Tooth disease dominant intermediate B. Last evaluated: 2022-07-12. Review status: criteria provided, single submitter. Criteria: Invitae Variant Classification Sherloc (09022015). Collection method: clinical testing. Allele origin: germline.
Comment: This variant results in a copy number gain of the genomic region encompassing exon(s) 16-21 of the DNM2 gene. This region includes the termination codon of the gene. This copy number gain extends beyond the assayed region for this gene and therefore may encompass additional genes. As the precise location of this event is unknown, it may be in tandem or it may be located elsewhere in the genome. This variant has not been reported in the literature in individuals affected with DNM2-related conditions. In summary, the available evidence is currently insufficient to determine the role of this variant in disease. Therefore, it has been classified as a Variant of Uncertain Significance.